The following is an entry in ClinVar:

NM_002857.4(PEX19):c.530G>A (p.Ser177Asn)

Gene: PEX19 (peroxisomal biogenesis factor 19; minus strand). Cytogenetic location: 1q23.2.
Variant type: single nucleotide variant.
Coding change: c.530G>A on transcript NM_002857.4 (MANE Select); coding-DNA position 530, G replaced by A.
Protein change: p.Ser177Asn; replaces serine 177 with asparagine.
Molecular consequence: missense variant. On other transcripts: non-coding transcript variant (2).
Genome position (GRCh38, 1-based): chr1:160,282,103, C>T on the plus strand (G>A on the coding strand, the complement: PEX19 is on the minus strand). VCF-style: chr1-160282103-C-T. GRCh37 (hg19) VCF-style: chr1-160251893-C-T.
Other names: c.530G>A, p.Ser177Asn (NM_001193644.1); short protein forms S177N.
Identifiers: ClinVar variation 2105953 (VCV002105953.4), dbSNP rs754784813, ClinGen allele CA1197327.

ClinVar aggregate classification (germline): Uncertain significance (1 of 4 stars; one submission).

Conditions:
Peroxisome biogenesis disorder 12A (Zellweger). Also called: Peroxisome biogenesis disorder 12A. Identifiers: Orphanet 912, MedGen C3554002, MONDO:0013951, OMIM 614886.

Allele frequency attached by ClinVar (database versions not stated): ExAC 0.00001.
gnomAD v4.1: 1 of 1,613,986 alleles (0.000062%); no homozygotes.

Submission:

Labcorp Genetics (formerly Invitae), Labcorp
Classification: Uncertain significance for Peroxisome biogenesis disorder 12A (Zellweger). Last evaluated: 2022-03-04. Review status: criteria provided, single submitter. Criteria: Invitae Variant Classification Sherloc (09022015). Collection method: clinical testing. Allele origin: germline.
Comment: Algorithms developed to predict the effect of missense changes on protein structure and function (SIFT, PolyPhen-2, Align-GVGD) all suggest that this variant is likely to be tolerated. This variant has not been reported in the literature in individuals affected with PEX19-related conditions. This variant is present in population databases (rs754784813, gnomAD 0.003%). This sequence change replaces serine, which is neutral and polar, with asparagine, which is neutral and polar, at codon 177 of the PEX19 protein (p.Ser177Asn). In summary, the available evidence is currently insufficient to determine the role of this variant in disease. Therefore, it has been classified as a Variant of Uncertain Significance.